The following is an entry in ClinVar:

NM_000540.3(RYR1):c.14173-1G>A

Gene: RYR1 (ryanodine receptor 1; plus strand). Cytogenetic location: 19q13.2.
Variant type: single nucleotide variant.
Coding change: c.14173-1G>A on transcript NM_000540.3 (MANE Select); the canonical splice acceptor site of the intron before coding-DNA position 14173, G replaced by A.
Molecular consequence: splice acceptor variant.
Genome position (GRCh38, 1-based): chr19:38,577,917, G>A. VCF-style: chr19-38577917-G-A. GRCh37 (hg19) VCF-style: chr19-39068557-G-A.
Other names: c.14158-1G>A (NM_001042723.2).
Identifiers: ClinVar variation 3021126 (VCV003021126.3), dbSNP rs2514738308, ClinGen allele CA405684080.

ClinVar aggregate classification (germline): Pathogenic (1 of 4 stars; one submission).

Conditions:
RYR1-related disorder. Also called: RYR1-related condition; RYR1-related disorders. Identifiers: MedGen CN239331.

Submission:

Labcorp Genetics (formerly Invitae), Labcorp
Classification: Pathogenic for RYR1-related disorder. Last evaluated: 2023-10-13. Review status: criteria provided, single submitter. Criteria: Invitae Variant Classification Sherloc (09022015). Collection method: clinical testing. Allele origin: germline.
Comment: This sequence change affects an acceptor splice site in intron 97 of the RYR1 gene. It is expected to disrupt RNA splicing. Variants that disrupt the donor or acceptor splice site typically lead to a loss of protein function (PMID: 16199547), and loss-of-function variants in RYR1 are known to be pathogenic (PMID: 23919265, 25960145, 28818389, 30611313). This variant is not present in population databases (gnomAD no frequency). Disruption of this splice site has been observed in individuals with autosomal recessive congenital myopathy (PMID: 22473935; Invitae). Algorithms developed to predict the effect of sequence changes on RNA splicing suggest that this variant may disrupt the consensus splice site. For these reasons, this variant has been classified as Pathogenic.

Literature cited by the submitters: PubMed 16199547; PubMed 23919265; PubMed 25960145; PubMed 28818389; PubMed 30611313; PubMed 22473935.